The following is an entry in ClinVar:

NM_001276345.2(TNNT2):c.323A>T (p.Asp108Val)

Gene: TNNT2 (troponin T2, cardiac type; minus strand). Cytogenetic location: 1q32.1.
Variant type: single nucleotide variant.
Coding change: c.323A>T on transcript NM_001276345.2 (MANE Select); coding-DNA position 323, A replaced by T.
Protein change: p.Asp108Val; replaces aspartic acid 108 with valine.
Molecular consequence: missense variant. On other transcripts: intron variant (1).
Genome position (GRCh38, 1-based): chr1:201,365,279, T>A on the plus strand (A>T on the coding strand, the complement: TNNT2 is on the minus strand). VCF-style: chr1-201365279-T-A. GRCh37 (hg19) VCF-style: chr1-201334407-T-A.
Other names: c.323A>T, p.Asp108Val (NM_000364.4, NM_001406723.1); c.293A>T, p.Asp98Val (NM_001001430.3, NM_001001431.3, NM_001276347.2 and 3 more transcripts); c.278A>T, p.Asp93Val (NM_001001432.3, NM_001406728.1); c.290A>T, p.Asp97Val (NM_001406725.1); c.291+331A>T (NM_001276346.2); short protein forms D108V, D93V, D97V, D98V.
Identifiers: ClinVar variation 2943802 (VCV002943802.3), dbSNP rs2527016420, ClinGen allele CA344206500.

ClinVar aggregate classification (germline): Uncertain significance (1 of 4 stars; one submission).

Conditions:
Dilated cardiomyopathy 1D. Identifiers: Orphanet 154, Orphanet 54260, MedGen C1832243, MONDO:0011095, OMIM 601494.
Cardiomyopathy, familial restrictive, 3. Identifiers: Orphanet 75249, MedGen C2676271, MONDO:0012900, OMIM 612422.
Hypertrophic cardiomyopathy 2. Also called: TNNT2-Related Familial Hypertrophic Cardiomyopathy. Identifiers: MedGen C1861864, MONDO:0007266, OMIM 115195.

Submission:

Labcorp Genetics (formerly Invitae), Labcorp
Classification: Uncertain significance for Cardiomyopathy, familial restrictive, 3; Hypertrophic cardiomyopathy 2; Dilated cardiomyopathy 1D. Last evaluated: 2024-07-01. Review status: criteria provided, single submitter. Criteria: Invitae Variant Classification Sherloc (09022015). Collection method: clinical testing. Allele origin: germline.
Comment: This sequence change replaces aspartic acid, which is acidic and polar, with valine, which is neutral and non-polar, at codon 98 of the TNNT2 protein (p.Asp98Val). This variant is not present in population databases (gnomAD no frequency). This variant has not been reported in the literature in individuals affected with TNNT2-related conditions. Advanced modeling of protein sequence and biophysical properties (such as structural, functional, and spatial information, amino acid conservation, physicochemical variation, residue mobility, and thermodynamic stability) performed at Invitae indicates that this missense variant is expected to disrupt TNNT2 protein function with a positive predictive value of 95%. In summary, the available evidence is currently insufficient to determine the role of this variant in disease. Therefore, it has been classified as a Variant of Uncertain Significance.